The following is an entry in ClinVar:

ClinVar aggregate classification (germline): Likely pathogenic (1 of 4 stars; one submission).

Conditions:
Dilated cardiomyopathy 1G (CMD1G). Identifiers: Orphanet 154, MedGen C1858763, MONDO:0011400, OMIM 604145.
Autosomal recessive limb-girdle muscular dystrophy type 2J (LGMDR10). Also called: Limb-girdle muscular dystrophy, type 2J; MUSCULAR DYSTROPHY, LIMB-GIRDLE, AUTOSOMAL RECESSIVE 10. Identifiers: Orphanet 140922, MedGen C1837342, MONDO:0012127, OMIM 608807.

Submission:

Labcorp Genetics (formerly Invitae), Labcorp
Classification: Likely pathogenic for Dilated cardiomyopathy 1G; Autosomal recessive limb-girdle muscular dystrophy type 2J. Last evaluated: 2020-02-03. Review status: criteria provided, single submitter. Criteria: Invitae Variant Classification Sherloc (09022015). Collection method: clinical testing. Allele origin: germline.
Comment: In summary, the currently available evidence indicates that the variant is pathogenic, but additional data are needed to prove that conclusively. Therefore, this variant has been classified as Likely Pathogenic. This variant is located in the A band of TTN (PMID: 25589632). Truncating variants in this region are significantly overrepresented in patients affected with dilated cardiomyopathy (PMID: 25589632). Truncating variants in this region have also been reported in individuals affected with autosomal recessive centronuclear myopathy (PMID: 23975875). This variant has not been reported in the literature in individuals with TTN-related conditions. This variant is not present in population databases (ExAC no frequency). This sequence change results in a premature translational stop signal in the TTN gene (p.Pro24700Argfs*23). While this is not anticipated to result in nonsense mediated decay, it is expected to create a truncated TTN protein.

Literature cited by the submitters: PubMed 25589632; PubMed 23975875.

NM_001267550.2(TTN):c.74099_74124del (p.Pro24700fs)

Genes: TTN (titin; minus strand), TTN-AS1 (TTN antisense RNA 1; plus strand). Cytogenetic location: 2q31.2.
Variant type: Deletion.
Coding change: c.74099_74124del on transcript NM_001267550.2 (MANE Select); coding-DNA positions 74099 to 74124, 26 bases deleted (CTAGACAACTGAGTGTGCCAGTGATC).
Protein change: p.Pro24700fs; shifts the reading frame from proline 24700.
Molecular consequence: frameshift variant.
Genome position (GRCh38, 1-based): chr2:178,572,008-178,572,033, GATCACTGGCACACTCAGTTGTCTAG deleted on the plus strand (CTAGACAACTGAGTGTGCCAGTGATC on the coding strand, the reverse complement: TTN is on the minus strand); deleting any 26 consecutive bases within chr2:178,572,008-178,572,041 gives the same sequence; the c. name uses the placement nearest the transcript's 3' end. VCF-style (leftmost placement, unchanged base first): chr2-178572007-CGATCACTGGCACACTCAGTTGTCTAG-C. GRCh37 (hg19) VCF-style: chr2-179436734-CGATCACTGGCACACTCAGTTGTCTAG-C.
Other names: c.69176_69201del, p.Pro23059fs (NM_001256850.1); c.46904_46929del, p.Pro15635fs (NM_003319.4); c.66395_66420del, p.Pro22132fs (NM_133378.4); c.47279_47304del, p.Pro15760fs (NM_133432.3); c.47480_47505del, p.Pro15827fs (NM_133437.4); short protein forms P22132fs, P24700fs, P15760fs, P15827fs, P23059fs, P15635fs.
Identifiers: ClinVar variation 838167 (VCV000838167.10), dbSNP rs1708368133, ClinGen allele CA538435334.